The following is an entry in ClinVar:

NM_007215.4(POLG2):c.7T>G (p.Ser3Ala)

Genes: MILR1 (mast cell immunoglobulin like receptor 1; plus strand), POLG2 (DNA polymerase gamma 2, accessory subunit; minus strand). Cytogenetic location: 17q23.3.
Variant type: single nucleotide variant.
Coding change: c.7T>G on transcript NM_007215.4 (MANE Select); coding-DNA position 7, T replaced by G.
Protein change: p.Ser3Ala; replaces serine 3 with alanine.
Molecular consequence: missense variant.
Genome position (GRCh38, 1-based): chr17:64,496,962, A>C on the plus strand (T>G on the coding strand, the complement: POLG2 is on the minus strand). VCF-style: chr17-64496962-A-C. GRCh37 (hg19) VCF-style: chr17-62493080-A-C.
Other names: short protein forms S3A.
Identifiers: ClinVar variation 2014803 (VCV002014803.4), dbSNP rs2509561889, ClinGen allele CA400641838.
Genomic context (GRCh38, chr17:64,496,962, plus strand): 5'-CCCCAAACCCAGACAACAGGCACCTGCAGACCTTATGGCAGGCCCTGACGGCTACACGAG[A>C]GCGCATCTCTCTCCGAAGTTAAAGAGCACACTCTCCCATCACTCAACGGATCCCAACAAG-3'
Protein context (NP_009146.2, residues 1-13): MR[Ser3Ala]RVAVRACHKV

ClinVar aggregate classification (germline): Uncertain significance (1 of 4 stars; one submission).

Submission:

Labcorp Genetics (formerly Invitae), Labcorp
Classification: Uncertain significance. Last evaluated: 2023-01-10. Review status: criteria provided, single submitter. Criteria: Invitae Variant Classification Sherloc (09022015). Collection method: clinical testing. Allele origin: germline.
Comment: In summary, the available evidence is currently insufficient to determine the role of this variant in disease. Therefore, it has been classified as a Variant of Uncertain Significance. Algorithms developed to predict the effect of missense changes on protein structure and function output the following: SIFT: "Tolerated"; PolyPhen-2: "Benign"; Align-GVGD: "Class C0". The alanine amino acid residue is found in multiple mammalian species, which suggests that this missense change does not adversely affect protein function. This variant has not been reported in the literature in individuals affected with POLG2-related conditions. This variant is not present in population databases (gnomAD no frequency). This sequence change replaces serine, which is neutral and polar, with alanine, which is neutral and non-polar, at codon 3 of the POLG2 protein (p.Ser3Ala).